The following is an entry in ClinVar:

NM_002335.4(LRP5):c.142G>A (p.Ala48Thr)

Gene: LRP5 (LDL receptor related protein 5; plus strand). Cytogenetic location: 11q13.2.
Variant type: single nucleotide variant.
Coding change: c.142G>A on transcript NM_002335.4 (MANE Select); coding-DNA position 142, G replaced by A.
Protein change: p.Ala48Thr; replaces alanine 48 with threonine.
Molecular consequence: missense variant. On other transcripts: 5 prime UTR variant (1).
Genome position (GRCh38, 1-based): chr11:68,347,897, G>A. VCF-style: chr11-68347897-G-A. GRCh37 (hg19) VCF-style: chr11-68115365-G-A.
Other names: c.-1624G>A (NM_001291902.2); short protein forms A48T.
Identifiers: ClinVar variation 4749239 (VCV004749239.1).

ClinVar aggregate classification (germline): Uncertain significance (1 of 4 stars; one submission).

gnomAD v4.1: 12 of 1,613,126 alleles (0.00074%); highest among the groups gnomAD compares: East Asian, 0.0022%; no homozygotes.

Submission:

Labcorp Genetics (formerly Invitae), Labcorp
Classification: Uncertain significance. Last evaluated: 2026-01-11. Review status: criteria provided, single submitter. Criteria: Invitae Variant Classification Sherloc (09022015). Collection method: clinical testing. Allele origin: germline.
Comment: This sequence change replaces alanine, which is neutral and non-polar, with threonine, which is neutral and polar, at codon 48 of the LRP5 protein (p.Ala48Thr). This variant is present in population databases (no rsID available, gnomAD 0.0009%). This variant has not been reported in the literature in individuals affected with LRP5-related conditions. Invitae Evidence Modeling of protein sequence and biophysical properties (such as structural, functional, and spatial information, amino acid conservation, physicochemical variation, residue mobility, and thermodynamic stability) indicates that this missense variant is not expected to disrupt LRP5 protein function with a negative predictive value of 95%. In summary, the available evidence is currently insufficient to determine the role of this variant in disease. Therefore, it has been classified as a Variant of Uncertain Significance.